The following is an entry in ClinVar:

NM_000065.5(C6):c.1912del (p.Glu637_Ile638insTer)

Gene: C6 (complement C6; minus strand). Cytogenetic location: 5p13.1.
Variant type: Deletion.
Coding change: c.1912del on transcript NM_000065.5 (MANE Select); coding-DNA position 1912, one base deleted (A; older notation c.1912delA).
Protein change: p.Glu637_Ile638insTer.
Molecular consequence: nonsense.
Genome position (GRCh38, 1-based): chr5:41,158,730, T deleted on the plus strand (A on the coding strand, the reverse complement: C6 is on the minus strand). VCF-style (leftmost placement, unchanged base first): chr5-41158729-AT-A. GRCh37 (hg19) VCF-style: chr5-41158831-AT-A.
Other names: c.1912del, p.Glu637_Ile638insTer (NM_001115131.4).
Identifiers: ClinVar variation 4693259 (VCV004693259.1).
Genomic context (GRCh38, chr5:41,158,729, plus strand): 5'-CTGACCCGGATAAATCCATTTTCTGGAGGAACTGGCTGAGGACACCCGGAATCTGCTTCT[AT>A]CTCAGGAAGATCGACCTCTTTCATTTCTTCGTCATCATTGATACATGGTTGTCCACTAAA-3'

ClinVar aggregate classification (germline): Pathogenic (1 of 4 stars; one submission).

Submission:

Labcorp Genetics (formerly Invitae), Labcorp
Classification: Pathogenic. Last evaluated: 2025-11-03. Review status: criteria provided, single submitter. Criteria: Invitae Variant Classification Sherloc (09022015). Collection method: clinical testing. Allele origin: germline.
Comment: This sequence change creates a premature translational stop signal (p.Ile638*) in the C6 gene. It is expected to result in an absent or disrupted protein product. Loss-of-function variants in C6 are known to be pathogenic (PMID: 17257682). This variant is present in population databases (rs768464413, gnomAD 0.002%). This variant has not been reported in the literature in individuals affected with C6-related conditions. For these reasons, this variant has been classified as Pathogenic.

Literature cited by the submitters: PubMed 17257682.